The following is an entry in ClinVar:

ClinVar aggregate classification (germline): Pathogenic (1 of 4 stars; one submission).

Conditions:
Cholestasis, progressive familial intrahepatic, 7, with or without hearing loss. Identifiers: MedGen C5562043, MONDO:0030503, OMIM 619658.

Submission:

3billion
Classification: Pathogenic for Cholestasis, progressive familial intrahepatic, 7, with or without hearing loss. Last evaluated: 2025-12-08. Review status: criteria provided, single submitter. Criteria: ACMG Guidelines, 2015. Collection method: clinical testing. Allele origin: germline. Affected: yes.
Comment: The variant is not observed in the gnomAD v4.1.0 dataset. Predicted Consequence/Location: Canonical splice site: predicted to alter splicing and result in a loss or disruption of normal protein function. Multiple pathogenic loss-of-function variants are reported downstream of the variant. In silico tools predict the variant to alter splicing and produce an abnormal transcript [SpliceAI: 0.99 (spliceogenicity >=0.2, non-spliceogenicity <0.1)]. The variant has been reported to be associated with USP53-related disorder (3billion dataset). Therefore, this variant is classified as Pathogenic according to the recommendation of ACMG/AMP guideline.

NM_001371395.1(USP53):c.373-1G>A

Gene: USP53 (ubiquitin specific peptidase 53; plus strand). Cytogenetic location: 4q26.
Variant type: single nucleotide variant.
Coding change: c.373-1G>A on transcript NM_001371395.1 (MANE Select); the canonical splice acceptor site of the intron before coding-DNA position 373, G replaced by A.
Molecular consequence: splice acceptor variant.
Genome position (GRCh38, 1-based): chr4:119,256,245, G>A. VCF-style: chr4-119256245-G-A. GRCh37 (hg19) VCF-style: chr4-120177400-G-A.
Other names: c.373-1G>A (NM_019050.3, NM_001389661.1, NM_001389658.1 and 6 more transcripts); c.25-1G>A (NM_001389663.1, NM_001389667.1, NM_001389664.1 and 3 more transcripts).
Identifiers: ClinVar variation 4855707 (VCV004855707.1).